The following is an entry in ClinVar:

NM_006237.4(POU4F1):c.414_423del (p.Gly139fs)

Genes: OBI1-AS1 (OBI1 antisense RNA 1; plus strand), POU4F1 (POU class 4 homeobox 1; minus strand). Cytogenetic location: 13q31.1.
Variant type: Deletion.
Coding change: c.414_423del on transcript NM_006237.4 (MANE Select); coding-DNA positions 414 to 423, 10 bases deleted (CGGCGGCGGC; older notation c.414_423delCGGCGGCGGC).
Protein change: p.Gly139fs; shifts the reading frame from glycine 139.
Molecular consequence: frameshift variant.
Genome position (GRCh38, 1-based): chr13:78,602,252-78,602,261, GCCGCCGCCG deleted on the plus strand (CGGCGGCGGC on the coding strand, the reverse complement: POU4F1 is on the minus strand); deleting any 10 consecutive bases within chr13:78,602,252-78,602,269 gives the same sequence; the c. name uses the placement nearest the transcript's 3' end. VCF-style (leftmost placement, unchanged base first): chr13-78602251-CGCCGCCGCCG-C. GRCh37 (hg19) VCF-style: chr13-79176386-CGCCGCCGCCG-C.
Other names: c.414_423del10 (NM_006237.4); short protein forms G139fs.
Identifiers: ClinVar variation 4537008 (VCV004537008.1).
Genomic context (GRCh38, chr13:78,602,251, plus strand): 5'-CGCCGCCCGGGCCGCCGCCGCCGCCCGGGCCGCCACCGCCCCCCGGGCCGTCGTGGGCGC[CGCCGCCGCCG>C]GCCGCCGCGCCCGCGCCGCCCGCGCCGGCCATGAGCGCGAGCGACGGCGAGGAGATGTGG-3'

ClinVar aggregate classification (germline): Uncertain significance (1 of 4 stars; one submission).

Submission:

Women's Health and Genetics/Laboratory Corporation of America, LabCorp
Classification: Uncertain significance. Last evaluated: 2025-11-06. Review status: criteria provided, single submitter. Criteria: LabCorp Variant Classification Summary - May 2015. Collection method: clinical testing. Allele origin: germline.
Comment: Variant summary: POU4F1 c.414_423del10 (p.Gly139AlafsX67) results in a premature termination codon, predicted to cause a truncation of the encoded protein or absence of the protein due to nonsense mediated decay, however current evidence is not sufficient to establish loss of function as a mechanism for disease. The variant was absent in 256 control chromosomes. The available data on variant occurrences in the general population are insufficient to allow any conclusion about variant significance. To our knowledge, no occurrence of c.414_423del10 in individuals affected with POU4F1-related conditions and no experimental evidence demonstrating its impact on protein function have been reported. No submitters have cited clinical-significance assessments for this variant to ClinVar. Based on the evidence outlined above, the variant was classified as uncertain significance.